The following is an entry in ClinVar:

ClinVar aggregate classification (germline): Uncertain significance. Review status: criteria provided, multiple submitters, no conflicts (2 of 4 stars). 2 submissions from 2 submitters: Uncertain significance (2). Last evaluated 2021-04-26.

Conditions:
Hereditary cancer-predisposing syndrome. Also called: Hereditary Cancer Syndrome; Neoplastic Syndromes, Hereditary; Tumor predisposition; Hereditary neoplastic syndrome. Identifiers: Orphanet 140162, MedGen C0027672, MeSH D009386, MONDO:0015356.
Cardiovascular phenotype. Identifiers: MedGen CN230736.

Submissions (2):

GeneDx
Classification: Uncertain significance. Last evaluated: 2021-04-26. Review status: criteria provided, single submitter. Criteria: GeneDx Variant Classification Process June 2021. Collection method: clinical testing. Allele origin: germline. Affected: yes.
Comment: Not observed in large population cohorts (Lek 2016); In silico analysis supports that this missense variant does not alter protein structure/function; Has not been previously published as pathogenic or benign to our knowledge

Ambry Genetics
Classification: Uncertain significance for Cardiovascular phenotype; Hereditary cancer-predisposing syndrome. Last evaluated: 2017-03-17. Review status: criteria provided, single submitter. Criteria: Ambry Variant Classification Scheme 2023. Collection method: clinical testing. Allele origin: germline.
Comment: The p.K362R variant (also known as c.1085A>G), located in coding exon 10 of the NF1 gene, results from an A to G substitution at nucleotide position 1085. The lysine at codon 362 is replaced by arginine, an amino acid with highly similar properties. This amino acid position is highly conserved in available vertebrate species. Using the BDGP and ESEfinder splice site prediction tools, this alteration is predicted to weaken the efficiency of the native splice donor site; however, direct evidence is unavailable. In addition, this alteration is predicted to be tolerated by in silico analysis. Since supporting evidence is limited at this time, the clinical significance of this alteration remains unclear.

NM_001042492.3(NF1):c.1085A>G (p.Lys362Arg)

Gene: NF1 (neurofibromin 1; plus strand). Cytogenetic location: 17q11.2.
Variant type: single nucleotide variant.
Coding change: c.1085A>G on transcript NM_001042492.3 (MANE Select); coding-DNA position 1085, A replaced by G.
Protein change: p.Lys362Arg; replaces lysine 362 with arginine.
Molecular consequence: missense variant.
Genome position (GRCh38, 1-based): chr17:31,201,059, A>G. VCF-style: chr17-31201059-A-G. GRCh37 (hg19) VCF-style: chr17-29528077-A-G.
Other names: c.1085A>G, p.Lys362Arg (NM_000267.4, NM_001128147.3); short protein forms K362R.
Identifiers: ClinVar variation 480195 (VCV000480195.7), dbSNP rs1555610976, ClinGen allele CA398996776.
Genomic context (GRCh38, chr17:31,201,059, plus strand): 5'-TATTTAAAGGCTTTTGTTTTCTGTTGGGGTTTTTATAGAACCTGCTTTTTAATCCAAGTA[A>G]GCCATTCTCAAGAGGCAGTCAGCCTGCAGATGTGGATCTAATGATTGACTGCCTTGTTTC-3'
Protein context (NP_001035957.1, residues 352-372): DLKNLLFNPS[Lys362Arg]PFSRGSQPAD